The following is an entry in ClinVar:

ClinVar aggregate classification (germline): Uncertain significance (1 of 4 stars; one submission).

Conditions:
Pontocerebellar hypoplasia type 1A (PCH1A). Also called: PONTOCEREBELLAR HYPOPLASIA WITH ANTERIOR HORN CELL DISEASE; PONTOCEREBELLAR HYPOPLASIA WITH INFANTILE SPINAL MUSCULAR ATROPHY. Identifiers: Orphanet 2254, Orphanet 88616, MedGen C1843504, MONDO:0011866, OMIM 607596.

Submission:

Labcorp Genetics (formerly Invitae), Labcorp
Classification: Uncertain significance for Pontocerebellar hypoplasia type 1A. Last evaluated: 2022-08-04. Review status: criteria provided, single submitter. Criteria: Invitae Variant Classification Sherloc (09022015). Collection method: clinical testing. Allele origin: germline.
Comment: This sequence change replaces proline, which is neutral and non-polar, with serine, which is neutral and polar, at codon 206 of the VRK1 protein (p.Pro206Ser). This variant is not present in population databases (gnomAD no frequency). This variant has not been reported in the literature in individuals affected with VRK1-related conditions. Algorithms developed to predict the effect of missense changes on protein structure and function are either unavailable or do not agree on the potential impact of this missense change (SIFT: "Deleterious"; PolyPhen-2: "Benign"; Align-GVGD: "Class C0"). In summary, the available evidence is currently insufficient to determine the role of this variant in disease. Therefore, it has been classified as a Variant of Uncertain Significance.

NM_003384.3(VRK1):c.616C>T (p.Pro206Ser)

Gene: VRK1 (VRK serine/threonine kinase 1; plus strand). Cytogenetic location: 14q32.2.
Variant type: single nucleotide variant.
Coding change: c.616C>T on transcript NM_003384.3 (MANE Select); coding-DNA position 616, C replaced by T.
Protein change: p.Pro206Ser; replaces proline 206 with serine.
Molecular consequence: missense variant.
Genome position (GRCh38, 1-based): chr14:96,855,263, C>T. VCF-style: chr14-96855263-C-T. GRCh37 (hg19) VCF-style: chr14-97321600-C-T.
Other names: c.616C>T, p.Pro206Ser (NM_001411051.1, NM_001411053.1); short protein forms P206S.
Identifiers: ClinVar variation 1989120 (VCV001989120.1), dbSNP rs2504191169, ClinGen allele CA390930995.